The following is an entry in ClinVar:

NM_001943.5(DSG2):c.1496T>C (p.Leu499Pro)

Gene: DSG2 (desmoglein 2; plus strand). Cytogenetic location: 18q12.1.
Variant type: single nucleotide variant.
Coding change: c.1496T>C on transcript NM_001943.5 (MANE Select); coding-DNA position 1496, T replaced by C.
Protein change: p.Leu499Pro; replaces leucine 499 with proline.
Molecular consequence: missense variant.
Genome position (GRCh38, 1-based): chr18:31,536,274, T>C. VCF-style: chr18-31536274-T-C. GRCh37 (hg19) VCF-style: chr18-29116237-T-C.
Other names: short protein forms L499P.
Identifiers: ClinVar variation 2300621 (VCV002300621.3), dbSNP rs2510917845, ClinGen allele CA402141476.
Genomic context (GRCh38, chr18:31,536,274, plus strand): 5'-AAACCATCACTGGCACAGTCCTTATCAATGTTGAAGACATCAACGACAACTGTCCCACAC[T>C]GATAGAGCCTGTGCAGACAATCTGTCACGATGCAGAGTATGTGAATGTTACTGCAGAGGA-3'
Protein context (NP_001934.2, residues 489-509): VEDINDNCPT[Leu499Pro]IEPVQTICHD

ClinVar aggregate classification (germline): Uncertain significance. Review status: criteria provided, multiple submitters, no conflicts (2 of 4 stars). 2 submissions from 2 submitters: Uncertain significance (2). Last evaluated 2023-12-13.

Conditions:
Arrhythmogenic right ventricular cardiomyopathy (ARVD). Also called: Arrhythmogenic right ventricular dysplasia; Cardiomyopathy, ARVC; Arrhythmogenic cardiomyopathy; Arrhythmogenic Right Ventricular Cardiomyopathy (ARVC). Identifiers: Orphanet 247, MedGen C0349788, MeSH D019571, MONDO:0016587. Disease mechanism: loss of function. Inheritance: Various modes of inheritance.
Cardiovascular phenotype. Identifiers: MedGen CN230736.

Submissions (2):

All of Us Research Program, National Institutes of Health
Classification: Uncertain significance for Arrhythmogenic right ventricular cardiomyopathy. Last evaluated: 2023-12-13. Review status: criteria provided, single submitter. Criteria: ACMG Guidelines, 2015. Collection method: clinical testing. Allele origin: germline. Inheritance: Autosomal dominant inheritance. Observed: 1 variant allele, 1 heterozygote.
Comment: This missense variant replaces leucine with proline at codon 499 of the DSG2 protein. Computational prediction is inconclusive regarding the impact of this variant on protein structure and function (internally defined REVEL score threshold 0.5 < inconclusive < 0.7, PMID: 27666373). To our knowledge, functional studies have not been reported for this variant. This variant has not been reported in individuals affected with DSG2-related disorders in the literature. This variant has not been identified in the general population by the Genome Aggregation Database (gnomAD). The available evidence is insufficient to determine the role of this variant in disease conclusively. Therefore, this variant is classified as a Variant of Uncertain Significance.

This study involves interpretation of variants in research participants for the purpose of population health screening. Participant phenotype was not available at the time of variant classification. Additional details can be found in publication PMID: 35346344, PMCID: PMC8962531

Ambry Genetics
Classification: Uncertain significance for Cardiovascular phenotype. Last evaluated: 2022-07-12. Review status: criteria provided, single submitter. Criteria: Ambry Variant Classification Scheme 2023. Collection method: clinical testing. Allele origin: germline.